The following is an entry in ClinVar:

NM_015662.3(IFT172):c.2141T>C (p.Met714Thr)

Gene: IFT172 (intraflagellar transport 172; minus strand). Cytogenetic location: 2p23.3.
Variant type: single nucleotide variant.
Coding change: c.2141T>C on transcript NM_015662.3 (MANE Select); coding-DNA position 2141, T replaced by C.
Protein change: p.Met714Thr; replaces methionine 714 with threonine.
Molecular consequence: missense variant.
Genome position (GRCh38, 1-based): chr2:27,461,811, A>G on the plus strand (T>C on the coding strand, the complement: IFT172 is on the minus strand). VCF-style: chr2-27461811-A-G. GRCh37 (hg19) VCF-style: chr2-27684678-A-G.
Other names: c.2075T>C, p.Met692Thr (NM_001410739.1); short protein forms M692T, M714T.
Identifiers: ClinVar variation 4980650 (VCV004980650.1).
Genomic context (GRCh38, chr2:27,461,811, plus strand): 5'-ACAGGTACCTTGGCTTCAGCCACAGCGATACACTCATCCCAACGGTGTAGCTCCTGGTAC[A>G]TGCCCATGGCCTCCTCCACAGCATTCTAGGGGAAACAGGCAGAGCAGAGAGGGACACCAG-3'
Protein context (NP_056477.1, residues 704-724): EQNAVEEAMG[Met714Thr]YQELHRWDEC

ClinVar aggregate classification (germline): Uncertain significance (1 of 4 stars; one submission).

Conditions:
IFT172-related disorder. Also called: IFT172-related condition; IFT172-related disorders.

gnomAD v4.1: 1 of 1,614,218 alleles (0.000062%); highest among the groups gnomAD compares: Non-Finnish European, 0.000085%; no homozygotes.

Submission:

PreventionGenetics, part of Exact Sciences
Classification: Uncertain significance for IFT172-related condition. Last evaluated: 2024-12-27. Review status: criteria provided, single submitter. Criteria: ACMG Guidelines, 2015. Collection method: clinical testing. Allele origin: germline.
Comment: The IFT172 c.2141T>C variant is predicted to result in the amino acid substitution p.Met714Thr. To our knowledge, this variant has not been reported in the literature or in a large population database (gnomAD), indicating this variant is rare. At this time, the clinical significance of this variant is uncertain due to the absence of conclusive functional and genetic evidence.